The following is an entry in ClinVar:

NM_004239.4(TRIP11):c.808_809dup (p.Asn270fs)

Gene: TRIP11 (thyroid hormone receptor interactor 11; minus strand). Cytogenetic location: 14q32.12.
Variant type: Duplication.
Coding change: c.808_809dup on transcript NM_004239.4 (MANE Select); coding-DNA positions 808 to 809, 2 bases duplicated (AA; older notation c.808_809dupAA).
Protein change: p.Asn270fs; shifts the reading frame from asparagine 270.
Molecular consequence: frameshift variant.
Genome position (GRCh38, 1-based): chr14:92,015,710-92,015,711, TT duplicated on the plus strand (AA on the coding strand, the reverse complement: TRIP11 is on the minus strand); duplicating any 2 consecutive bases within chr14:92,015,710-92,015,713 gives the same sequence; the c. name uses the placement nearest the transcript's 3' end. VCF-style (leftmost placement, unchanged base first): chr14-92015709-A-ATT. GRCh37 (hg19) VCF-style: chr14-92482053-A-ATT.
Other names: c.805_806dup, p.Asn269fs (NM_001321851.1); short protein forms N269fs, N270fs.
Identifiers: ClinVar variation 3775732 (VCV003775732.1).

ClinVar aggregate classification (germline): Likely pathogenic (1 of 4 stars; one submission).

Conditions:
Achondrogenesis, type IA (ACG1A). Identifiers: Orphanet 932, Orphanet 93299, MedGen C0265273, MONDO:0008701, OMIM 200600.

Submission:

3billion
Classification: Likely pathogenic for Achondrogenesis, type IA. Last evaluated: 2023-10-16. Review status: criteria provided, single submitter. Criteria: ACMG Guidelines, 2015. Collection method: clinical testing. Allele origin: germline. Affected: yes.
Comment: The variant is not observed in the gnomAD v2.1.1 dataset. Predicted Consequence/Location: Frameshift: predicted to result in a loss or disruption of normal protein function through nonsense-mediated decay (NMD) or protein truncation. Multiple pathogenic variants are reported downstream of the variant. Therefore, this variant is classified as Likely pathogenic according to the recommendation of ACMG/AMP guideline.